The following is an entry in ClinVar:

ClinVar aggregate classification (germline): Benign. Review status: criteria provided, multiple submitters, no conflicts (2 of 4 stars). 9 submissions from 8 submitters: Benign (9). Last evaluated 2026-02-03.

Conditions:
Cardiovascular phenotype. Identifiers: MedGen CN230736.
Ehlers-Danlos syndrome, arthrochalasia type, 2. Also called: EHLERS-DANLOS SYNDROME, TYPE VIIB, AUTOSOMAL DOMINANT. Identifiers: MedGen CN293783, MONDO:0040501, OMIM 617821.
Osteogenesis imperfecta (OI). Identifiers: Orphanet 666, MedGen C0029434, MeSH D010013, MONDO:0019019.
Osteogenesis imperfecta type I (OI1). Also called: OI, TYPE I; OSTEOGENESIS IMPERFECTA TARDA; OSTEOGENESIS IMPERFECTA WITH BLUE SCLERAE; Classic Non-deforming Osteogenesis Imperfecta with Blue Sclerae; Lobstein disease; Osteogenesis imperfecta type 1. Identifiers: Orphanet 216796, Orphanet 666, MedGen C0023931, MONDO:0008146, OMIM 166200. Disease mechanism: loss of function.
Ehlers-Danlos syndrome, classic type, 1 (EDSCL1). Also called: EHLERS-DANLOS SYNDROME, GRAVIS TYPE; EHLERS-DANLOS SYNDROME, SEVERE CLASSIC TYPE; EDS I; Ehlers-Danlos syndrome, type 1; Ehlers-Danlos Syndrome, Classic Type, COL5A1-Related. Identifiers: MedGen C0268335, MONDO:0019567, OMIM 130000.

Allele frequency attached by ClinVar (database versions not stated): ESP Exome Variant Server 0.01169; gnomAD exomes 0.02336 and 0.05203; gnomAD 0.02599 and 0.03188; TOPMed 0.03450; ExAC 0.09069; 1000 Genomes Project 30x 0.09307; 1000 Genomes Project 0.09924.
gnomAD v4.1: 39,274 of 1,595,068 alleles (2.5%); highest among the groups gnomAD compares: East Asian, 36%; 3,447 homozygotes.

Submissions (9):

Labcorp Genetics (formerly Invitae), Labcorp
Classification: Benign for Osteogenesis imperfecta type I; Ehlers-Danlos syndrome, classic type, 1. Last evaluated: 2026-02-03. Review status: criteria provided, single submitter. Criteria: Invitae Variant Classification Sherloc (09022015). Collection method: clinical testing. Allele origin: germline.

Blueprint Genetics
Classification: Benign. Last evaluated: 2024-11-27. Review status: criteria provided, single submitter. Criteria: ACMG Guidelines, 2015. Collection method: clinical testing. Allele origin: germline.

Mayo Clinic Laboratories, Mayo Clinic
Classification: Benign. Last evaluated: 2019-06-18. Review status: criteria provided, single submitter. Criteria: ACMG Guidelines, 2015. Collection method: clinical testing. Allele origin: germline. Observed: 124 variant alleles.

Ambry Genetics
Classification: Benign for Cardiovascular phenotype. Last evaluated: 2019-01-04. Review status: criteria provided, single submitter. Criteria: Ambry Variant Classification Scheme 2023. Collection method: clinical testing. Allele origin: germline.

Illumina Laboratory Services, Illumina
Classification: Benign for Ehlers-Danlos syndrome, arthrochalasia type, 2. Last evaluated: 2018-01-12. Review status: criteria provided, single submitter. Criteria: ICSL Variant Classification Criteria 13 December 2019. Collection method: clinical testing. Allele origin: germline.
Comment: This variant was observed in the ICSL laboratory as part of a predisposition screen in an ostensibly healthy population. It had not been previously curated by ICSL or reported in the Human Gene Mutation Database (HGMD: prior to June 1st, 2018), and was therefore a candidate for classification through an automated scoring system. Utilizing variant allele frequency, disease prevalence and penetrance estimates, and inheritance mode, an automated score was calculated to assess if this variant is too frequent to cause the disease. Based on the score and internal cut-off values, a variant classified as benign is not then subjected to further curation. The score for this variant resulted in a classification of benign for this disease.

Illumina Laboratory Services, Illumina
Classification: Benign for Osteogenesis imperfecta. Last evaluated: 2018-01-12. Review status: criteria provided, single submitter. Criteria: ICSL Variant Classification Criteria 13 December 2019. Collection method: clinical testing. Allele origin: germline.
Comment: the same text as in the submission from Illumina Laboratory Services, Illumina above.

Athena Diagnostics
Classification: Benign. Last evaluated: 2017-07-28. Review status: criteria provided, single submitter. Criteria: Athena Diagnostics Criteria. Collection method: clinical testing. Allele origin: germline.

GeneDx
Classification: Benign. Last evaluated: 2016-10-20. Review status: criteria provided, single submitter. Criteria: GeneDx Variant Classification (06012015). Collection method: clinical testing. Allele origin: germline. Affected: yes.
Comment: This variant is considered likely benign or benign based on one or more of the following criteria: it is a conservative change, it occurs at a poorly conserved position in the protein, it is predicted to be benign by multiple in silico algorithms, and/or has population frequency not consistent with disease.

Breakthrough Genomics
Classification: Benign. Review status: criteria provided, single submitter. Criteria: ACMG Guidelines, 2015. Collection method: not provided. Allele origin: germline. Inheritance: Autosomal recessive inheritance. Affected: yes.

Literature cited by the submitters: PubMed 25835785 (cited by Athena Diagnostics); PubMed 25633413 (cited by Athena Diagnostics); PubMed 8456808 (cited by Athena Diagnostics); PubMed 18272325 (cited by Athena Diagnostics).

NM_000089.4(COL1A2):c.1878G>T (p.Val626=)

Gene: COL1A2 (collagen type I alpha 2 chain; plus strand). Cytogenetic location: 7q21.3.
Variant type: single nucleotide variant.
Coding change: c.1878G>T on transcript NM_000089.4 (MANE Select); coding-DNA position 1878, G replaced by T.
Protein change: p.Val626=; no amino-acid change (valine 626 retained).
Molecular consequence: synonymous variant.
Genome position (GRCh38, 1-based): chr7:94,417,738, G>T. VCF-style: chr7-94417738-G-T. GRCh37 (hg19) VCF-style: chr7-94047050-G-T.
Other names: p.Val626=.
Identifiers: ClinVar variation 360958 (VCV000360958.19), dbSNP rs1800238, ClinGen allele CA4347225.